The following is an entry in ClinVar:

ClinVar aggregate classification (germline): Uncertain significance (1 of 4 stars; one submission).

Conditions:
Biotin-responsive basal ganglia disease (BTBGD). Also called: Thiamine metabolism dysfunction syndrome type 2; THIAMINE METABOLISM DYSFUNCTION SYNDROME 2 (BIOTIN- AND THIAMINE-RESPONSIVE TYPE); Thiamine metabolism dysfunction syndrome 2 (biotin- or thiamine-responsive encephalopathy type 2); thiamine-responsive encephalopathy; Thiamine Transporter-2 Deficiency. Identifiers: Orphanet 199348, Orphanet 65284, MedGen C1843807, MONDO:0011841, OMIM 607483.

Allele frequency attached by ClinVar (database versions not stated): gnomAD exomes 0.00002; ExAC 0.00003.
gnomAD v4.1: 6 of 1,614,064 alleles (0.00037%); highest among the groups gnomAD compares: South Asian, 0.0066%; no homozygotes.

Submission:

Labcorp Genetics (formerly Invitae), Labcorp
Classification: Uncertain significance for Biotin-responsive basal ganglia disease. Last evaluated: 2021-09-01. Review status: criteria provided, single submitter. Criteria: Invitae Variant Classification Sherloc (09022015). Collection method: clinical testing. Allele origin: germline.
Comment: This sequence change replaces isoleucine with leucine at codon 409 of the SLC19A3 protein (p.Ile409Leu). The isoleucine residue is moderately conserved and there is a small physicochemical difference between isoleucine and leucine. This variant is present in population databases (rs749551153, ExAC 0.02%). This variant has not been reported in the literature in individuals affected with SLC19A3-related conditions. Algorithms developed to predict the effect of missense changes on protein structure and function (SIFT, PolyPhen-2, Align-GVGD) all suggest that this variant is likely to be tolerated. In summary, the available evidence is currently insufficient to determine the role of this variant in disease. Therefore, it has been classified as a Variant of Uncertain Significance.

NM_025243.4(SLC19A3):c.1225A>C (p.Ile409Leu)

Gene: SLC19A3 (solute carrier family 19 member 3; minus strand). Cytogenetic location: 2q36.3.
Variant type: single nucleotide variant.
Coding change: c.1225A>C on transcript NM_025243.4 (MANE Select); coding-DNA position 1225, A replaced by C.
Protein change: p.Ile409Leu; replaces isoleucine 409 with leucine.
Molecular consequence: missense variant.
Genome position (GRCh38, 1-based): chr2:227,688,255, T>G on the plus strand (A>C on the coding strand, the complement: SLC19A3 is on the minus strand). VCF-style: chr2-227688255-T-G. GRCh37 (hg19) VCF-style: chr2-228552971-T-G.
Other names: c.1225A>C, p.Ile409Leu (NM_001371411.1, NM_001371412.1); c.1213A>C, p.Ile405Leu (NM_001371413.1, NM_001371414.1); short protein forms I405L, I409L.
Identifiers: ClinVar variation 956070 (VCV000956070.7), dbSNP rs749551153, ClinGen allele CA2149123.